The following is an entry in ClinVar:

NM_003244.4(TGIF1):c.488C>T (p.Pro163Leu)

Gene: TGIF1 (TGFB induced factor homeobox 1; plus strand). Cytogenetic location: 18p11.31.
Variant type: single nucleotide variant.
Coding change: c.488C>T on transcript NM_003244.4 (MANE Select); coding-DNA position 488, C replaced by T.
Protein change: p.Pro163Leu; replaces proline 163 with leucine.
Molecular consequence: missense variant.
Genome position (GRCh38, 1-based): chr18:3,457,609, C>T. VCF-style: chr18-3457609-C-T. GRCh37 (hg19) VCF-style: chr18-3457607-C-T.
Other names: c.497C>T, p.Pro166Leu (NM_001278682.2); c.488C>T, p.Pro163Leu (NM_001278684.2, NM_173208.3); c.428C>T, p.Pro143Leu (NM_001278686.3, NM_001374396.1, NM_001374397.1 and 5 more transcripts); c.530C>T, p.Pro177Leu (NM_173207.4); short protein forms P163L, P166L, P177L, P143L.
Identifiers: ClinVar variation 259017 (VCV000259017.26), dbSNP rs2229333, ClinGen allele CA8875964.
Genomic context (GRCh38, chr18:3,457,609, plus strand): 5'-CCTGTACAGCTGGGCCAAACCCAACCCTAGGGAGGCCACTGTCTCCTAAGCCGTCATCCC[C>T]GGGATCAGTTTTGGCTCGTCCATCAGTGATCTGCCATACCACTGTGACTGCATTGAAAGA-3'
Protein context (NP_003235.1, residues 153-173): GRPLSPKPSS[Pro163Leu]GSVLARPSVI

ClinVar aggregate classification (germline): Benign/Likely benign. Review status: criteria provided, multiple submitters, no conflicts (2 of 4 stars). 6 submissions from 6 submitters: Benign (4); Likely benign (2). Last evaluated 2026-02-01.

Conditions:
Holoprosencephaly 4 (HPE4). Identifiers: Orphanet 2162, MedGen C1840528, MONDO:0007734, OMIM 142946.

Allele frequency attached by ClinVar (database versions not stated): gnomAD 0.04416; ESP Exome Variant Server 0.04421; TOPMed 0.04435; gnomAD exomes 0.06219; ExAC 0.06266; 1000 Genomes Project 30x 0.07433; 1000 Genomes Project 0.07768.
gnomAD v4.1: 94,881 of 1,614,160 alleles (5.9%); highest among the groups gnomAD compares: East Asian, 14%; 3,414 homozygotes.

Submissions (6):

Labcorp Genetics (formerly Invitae), Labcorp
Classification: Benign for Holoprosencephaly 4. Last evaluated: 2026-02-01. Review status: criteria provided, single submitter. Criteria: Invitae Variant Classification Sherloc (09022015). Collection method: clinical testing. Allele origin: germline.

Blueprint Genetics
Classification: Benign. Last evaluated: 2024-11-28. Review status: criteria provided, single submitter. Criteria: ACMG Guidelines, 2015. Collection method: clinical testing. Allele origin: germline.

ARUP Laboratories, Molecular Genetics and Genomics, ARUP Laboratories
Classification: Benign for Holoprosencephaly 4. Last evaluated: 2023-11-22. Review status: criteria provided, single submitter. Criteria: ARUP Molecular Germline Variant Investigation Process 2024. Collection method: clinical testing. Allele origin: germline.

GeneDx
Classification: Benign. Last evaluated: 2015-03-03. Review status: criteria provided, single submitter. Criteria: GeneDx Variant Classification Process June 2021. Collection method: clinical testing. Allele origin: germline. Affected: yes.
Comment: This variant is associated with the following publications: (PMID: 24215395)

Breakthrough Genomics
Classification: Likely benign. Review status: criteria provided, single submitter. Criteria: ACMG Guidelines, 2015. Collection method: not provided. Allele origin: germline. Inheritance: Autosomal dominant inheritance. Affected: yes.

PreventionGenetics, part of Exact Sciences
Classification: Likely benign. Review status: criteria provided, single submitter. Criteria: ACMG Guidelines, 2015. Collection method: clinical testing. Allele origin: germline.